The following is an entry in ClinVar:

NM_002439.5(MSH3):c.1214T>G (p.Phe405Cys)

Gene: MSH3 (mutS homolog 3; plus strand). Cytogenetic location: 5q14.1.
Variant type: single nucleotide variant.
Coding change: c.1214T>G on transcript NM_002439.5 (MANE Select); coding-DNA position 1214, T replaced by G.
Protein change: p.Phe405Cys; replaces phenylalanine 405 with cysteine.
Molecular consequence: missense variant.
Genome position (GRCh38, 1-based): chr5:80,678,967, T>G. VCF-style: chr5-80678967-T-G. GRCh37 (hg19) VCF-style: chr5-79974786-T-G.
Other names: short protein forms F405C.
Identifiers: ClinVar variation 1751243 (VCV001751243.5), dbSNP rs1749903265, ClinGen allele CA360268900.

ClinVar aggregate classification (germline): Uncertain significance. Review status: criteria provided, multiple submitters, no conflicts (2 of 4 stars). 2 submissions from 2 submitters: Uncertain significance (2). Last evaluated 2024-10-15.

Conditions:
Hereditary cancer-predisposing syndrome. Also called: Hereditary Cancer Syndrome; Hereditary neoplastic syndrome; Neoplastic Syndromes, Hereditary; Tumor predisposition. Identifiers: Orphanet 140162, MedGen C0027672, MeSH D009386, MONDO:0015356.

Submissions (2):

Labcorp Genetics (formerly Invitae), Labcorp
Classification: Uncertain significance. Last evaluated: 2024-10-15. Review status: criteria provided, single submitter. Criteria: Invitae Variant Classification Sherloc (09022015). Collection method: clinical testing. Allele origin: germline.
Comment: This sequence change replaces phenylalanine, which is neutral and non-polar, with cysteine, which is neutral and slightly polar, at codon 405 of the MSH3 protein (p.Phe405Cys). This variant is not present in population databases (gnomAD no frequency). This variant has not been reported in the literature in individuals affected with MSH3-related conditions. ClinVar contains an entry for this variant (Variation ID: 1751243). An algorithm developed to predict the effect of missense changes on protein structure and function (PolyPhen-2) suggests that this variant is likely to be disruptive. In summary, the available evidence is currently insufficient to determine the role of this variant in disease. Therefore, it has been classified as a Variant of Uncertain Significance.

Ambry Genetics
Classification: Uncertain significance for Hereditary cancer-predisposing syndrome. Last evaluated: 2022-10-31. Review status: criteria provided, single submitter. Criteria: Ambry Variant Classification Scheme 2023. Collection method: clinical testing. Allele origin: germline.
Comment: The p.F405C variant (also known as c.1214T>G), located in coding exon 8 of the MSH3 gene, results from a T to G substitution at nucleotide position 1214. The phenylalanine at codon 405 is replaced by cysteine, an amino acid with highly dissimilar properties. This amino acid position is conserved. In addition, this alteration is predicted to be deleterious by in silico analysis. Since supporting evidence is limited at this time, the clinical significance of this alteration remains unclear.